The following is an entry in ClinVar:

NM_007294.4(BRCA1):c.1945G>A (p.Glu649Lys)

Gene: BRCA1 (BRCA1 DNA repair associated; minus strand). Cytogenetic location: 17q21.31.
Variant type: single nucleotide variant.
Coding change: c.1945G>A on transcript NM_007294.4 (MANE Select); coding-DNA position 1945, G replaced by A.
Protein change: p.Glu649Lys; replaces glutamic acid 649 with lysine.
Molecular consequence: missense variant. On other transcripts: intron variant (137).
Genome position (GRCh38, 1-based): chr17:43,093,586, C>T on the plus strand (G>A on the coding strand, the complement: BRCA1 is on the minus strand). VCF-style: chr17-43093586-C-T. GRCh37 (hg19) VCF-style: chr17-41245603-C-T.
Other names: c.1732G>A, p.Glu578Lys (NM_001407571.1, NM_001407915.1, NM_001407916.1 and 9 more transcripts); c.1945G>A, p.Glu649Lys (NM_001407581.1, NM_001407582.1, NM_001407583.1 and 30 more transcripts); c.1942G>A, p.Glu648Lys (NM_001407587.1, NM_001407590.1, NM_001407591.1 and 22 more transcripts); c.1822G>A, p.Glu608Lys (NM_001407679.1, NM_001407680.1, NM_001407681.1 and 19 more transcripts); c.1735G>A, p.Glu579Lys (NM_001407909.1, NM_001407910.1, NM_001407879.1 and 13 more transcripts); c.1804G>A, p.Glu602Lys (NM_001407694.1, NM_001407695.1, NM_001407696.1 and 29 more transcripts); c.1678G>A, p.Glu560Lys (NM_001407930.1, NM_001407931.1, NM_001407932.1 and 2 more transcripts); c.1681G>A, p.Glu561Lys (NM_001407933.1, NM_001407935.1, NM_001407920.1 and 9 more transcripts); and 40 more; short protein forms E353K, E579K, E608K, E623K, E521K, E538K, E561K, E578K.
Identifiers: ClinVar variation 2011023 (VCV002011023.7), dbSNP rs80356907, ClinGen allele CA10598133.

ClinVar aggregate classification (germline): Conflicting classifications of pathogenicity. Review status: criteria provided, conflicting classifications (1 of 4 stars). 3 submissions from 3 submitters: Uncertain significance (2); Likely benign (1). Last evaluated 2023-08-15.

Conditions:
Breast-ovarian cancer, familial, susceptibility to, 1 (BROVCA1). Also called: BRCA1 Hereditary Breast and Ovarian Cancer; OVARIAN CANCER, SUSCEPTIBILITY TO. Identifiers: Orphanet 145, MedGen C2676676, MONDO:0011450, OMIM 604370. Disease mechanism: loss of function.
Hereditary breast ovarian cancer syndrome. Also called: Hereditary breast and ovarian cancer syndrome (HBOC); Breast and ovarian cancer; Hereditary breast and/or ovarian cancer syndrome; BRCA1- and BRCA2-Associated Hereditary Breast and Ovarian Cancer; Hereditary breast and ovarian cancer; Hereditary breast and ovarian cancer syndrome. Identifiers: Orphanet 145, MedGen C0677776, MeSH D061325, MONDO:0003582. Disease mechanism: loss of function.
Hereditary cancer-predisposing syndrome. Also called: Tumor predisposition; Neoplastic Syndromes, Hereditary; Hereditary Cancer Syndrome; Hereditary neoplastic syndrome. Identifiers: Orphanet 140162, MedGen C0027672, MeSH D009386, MONDO:0015356.

Submissions (3):

All of Us Research Program, National Institutes of Health
Classification: Uncertain significance for Breast-ovarian cancer, familial, susceptibility to, 1. Last evaluated: 2023-08-15. Review status: criteria provided, single submitter. Criteria: ACMG Guidelines, 2015. Collection method: clinical testing. Allele origin: germline. Inheritance: Autosomal dominant inheritance. Observed: 1 variant allele, 1 heterozygote.
Comment: This missense variant replaces glutamic acid with lysine at codon 649 of the BRCA1 protein. Computational prediction suggests that this variant may have deleterious impact on protein structure and function (internally defined REVEL score threshold >= 0.7, PMID: 27666373). To our knowledge, functional studies have not been reported for this variant. This variant has not been reported in individuals affected with BRCA1-related disorders in the literature. This variant has not been identified in the general population by the Genome Aggregation Database (gnomAD). The available evidence is insufficient to determine the role of this variant in disease conclusively. Therefore, this variant is classified as a Variant of Uncertain Significance.

This study involves interpretation of variants in research participants for the purpose of population health screening. Participant phenotype was not available at the time of variant classification. Additional details can be found in publication PMID: 35346344, PMCID: PMC8962531

University of Washington Department of Laboratory Medicine, University of Washington
Classification: Likely benign for Hereditary cancer-predisposing syndrome. Last evaluated: 2023-03-23. Review status: criteria provided, single submitter. Criteria: Dines et al. (Genet Med. 2020). Collection method: curation. Allele origin: germline.
Comment: Missense variant in a coldspot region where missense variants are very unlikely to be pathogenic (PMID:31911673).

BRCA1 coldspot (exon 11 using historical exon numbering). Reclassification based on statistical prior probability

Labcorp Genetics (formerly Invitae), Labcorp
Classification: Uncertain significance for Hereditary breast ovarian cancer syndrome. Last evaluated: 2022-07-01. Review status: criteria provided, single submitter. Criteria: Invitae Variant Classification Sherloc (09022015). Collection method: clinical testing. Allele origin: germline.
Comment: This sequence change replaces glutamic acid, which is acidic and polar, with lysine, which is basic and polar, at codon 649 of the BRCA1 protein (p.Glu649Lys). In summary, the available evidence is currently insufficient to determine the role of this variant in disease. Therefore, it has been classified as a Variant of Uncertain Significance. Algorithms developed to predict the effect of missense changes on protein structure and function are either unavailable or do not agree on the potential impact of this missense change (SIFT: "Tolerated"; PolyPhen-2: "Probably Damaging"; Align-GVGD: "Class C0"). This variant has not been reported in the literature in individuals affected with BRCA1-related conditions. This variant is not present in population databases (gnomAD no frequency).